The following is an entry in ClinVar:

NM_014989.7(RIMS1):c.1450A>G (p.Met484Val)

Gene: RIMS1 (regulating synaptic membrane exocytosis 1; plus strand). Cytogenetic location: 6q13.
Variant type: single nucleotide variant.
Coding change: c.1450A>G on transcript NM_014989.7 (MANE Select); coding-DNA position 1450, A replaced by G.
Protein change: p.Met484Val; replaces methionine 484 with valine.
Molecular consequence: missense variant.
Genome position (GRCh38, 1-based): chr6:72,182,921, A>G. VCF-style: chr6-72182921-A-G. GRCh37 (hg19) VCF-style: chr6-72892624-A-G.
Other names: short protein forms M484V.
Identifiers: ClinVar variation 1041921 (VCV001041921.8), dbSNP rs772371424, ClinGen allele CA364821441.

ClinVar aggregate classification (germline): Uncertain significance (1 of 4 stars; one submission).

gnomAD v4.1: 7 of 1,582,918 alleles (0.00044%); highest among the groups gnomAD compares: Non-Finnish European, 0.0006%; no homozygotes.

Submission:

Labcorp Genetics (formerly Invitae), Labcorp
Classification: Uncertain significance. Last evaluated: 2025-10-24. Review status: criteria provided, single submitter. Criteria: Invitae Variant Classification Sherloc (09022015). Collection method: clinical testing. Allele origin: germline.
Comment: This sequence change replaces methionine, which is neutral and non-polar, with valine, which is neutral and non-polar, at codon 484 of the RIMS1 protein (p.Met484Val). This variant is not present in population databases (gnomAD no frequency). This variant has not been reported in the literature in individuals affected with RIMS1-related conditions. ClinVar contains an entry for this variant (Variation ID: 1041921). An algorithm developed to predict the effect of missense changes on protein structure and function outputs the following: PolyPhen-2: "Benign". The valine amino acid residue is found in multiple mammalian species, which suggests that this missense change does not adversely affect protein function. In summary, the available evidence is currently insufficient to determine the role of this variant in disease. Therefore, it has been classified as a Variant of Uncertain Significance.